The following is an entry in ClinVar:

NM_000124.4(ERCC6):c.1556G>A (p.Trp519Ter)

Gene: ERCC6 (ERCC excision repair 6, chromatin remodeling factor; minus strand). Cytogenetic location: 10q11.23.
Variant type: single nucleotide variant.
Coding change: c.1556G>A on transcript NM_000124.4 (MANE Select); coding-DNA position 1556, G replaced by A.
Protein change: p.Trp519Ter; replaces tryptophan 519 with a stop codon.
Molecular consequence: nonsense.
Genome position (GRCh38, 1-based): chr10:49,500,667, C>T on the plus strand (G>A on the coding strand, the complement: ERCC6 is on the minus strand). VCF-style: chr10-49500667-C-T. GRCh37 (hg19) VCF-style: chr10-50708713-C-T.
Other names: c.1556G>A, p.Trp519Ter (NM_001346440.2); short protein forms W519*.
Identifiers: ClinVar variation 5012974 (VCV005012974.1).

ClinVar aggregate classification (germline): Pathogenic (1 of 4 stars; one submission).

Conditions:
Cockayne spectrum with or without cerebrooculofacioskeletal syndrome. Identifiers: MedGen CN315928, MONDO:0100506.

gnomAD v4.1: 3 of 1,613,926 alleles (0.00019%); highest among the groups gnomAD compares: Non-Finnish European, 0.00017%; no homozygotes.

Submission:

Myriad Genetics, Inc.
Classification: Pathogenic for Cockayne spectrum with or without cerebrooculofacioskeletal syndrome. Last evaluated: 2024-04-29. Review status: criteria provided, single submitter. Criteria: Myriad Autosomal Dominant, Autosomal Recessive and X-Linked Classification Criteria (2023). Collection method: clinical testing. Allele origin: unknown.
Comment: NM_000124.2(ERCC6):c.1556G>A(W519*) is expected to be pathogenic in the context of ERCC6-related disorders. This variant is predicted to lead to an abnormal or absent protein product due to the creation of a premature termination codon in ERCC6, a gene where loss-of-function variants are known to be pathogenic. Please note: this variant was assessed in the context of healthy population screening.